The following is an entry in ClinVar:

NM_021830.5(TWNK):c.1070G>C (p.Arg357Pro)

Gene: TWNK (twinkle mtDNA helicase; plus strand). Cytogenetic location: 10q24.31.
Variant type: single nucleotide variant.
Coding change: c.1070G>C on transcript NM_021830.5 (MANE Select); coding-DNA position 1070, G replaced by C.
Protein change: p.Arg357Pro; replaces arginine 357 with proline.
Molecular consequence: missense variant. On other transcripts: non-coding transcript variant (4), intron variant (3).
Genome position (GRCh38, 1-based): chr10:100,989,280, G>C. VCF-style: chr10-100989280-G-C. GRCh37 (hg19) VCF-style: chr10-102749037-G-C.
Other names: c.1070G>C, p.Arg357Pro (NM_001163812.2); c.-119-364G>C (NM_001163814.2, NM_001163813.2); c.-57-426G>C (NM_001368275.1); short protein forms R357P.
Identifiers: ClinVar variation 632124 (VCV000632124.38), dbSNP rs758026634, ClinGen allele CA378209783.

ClinVar aggregate classification (germline): Pathogenic/Likely pathogenic. Review status: criteria provided, multiple submitters, no conflicts (2 of 4 stars). 6 submissions from 6 submitters: Pathogenic (4); Likely pathogenic (2). Last evaluated 2026-01-20.

Conditions:
TWNK-related disorder. Also called: TWNK-related condition.
Progressive external ophthalmoplegia with mitochondrial DNA deletions, autosomal dominant 3. Also called: PROGRESSIVE EXTERNAL OPHTHALMOPLEGIA, AUTOSOMAL DOMINANT 3. Identifiers: MedGen C1836439, MONDO:0012241, OMIM 609286.

Submissions (6):

GeneDx
Classification: Likely pathogenic. Last evaluated: 2026-01-20. Review status: criteria provided, single submitter. Criteria: GeneDx Variant Classification Process June 2021. Collection method: clinical testing. Allele origin: germline.
Comment: In silico analysis supports that this missense variant has a deleterious effect on protein structure/function; Not observed at significant frequency in large population cohorts (gnomAD); This variant is associated with the following publications: (PMID: 20659899, 20479361, 24018892, 32161153, 35011763, 17614277, 30770810, 35641312, 35286480)

CeGaT Center for Human Genetics Tuebingen
Classification: Pathogenic. Last evaluated: 2025-06-01. Review status: criteria provided, single submitter. Criteria: CeGaT Center For Human Genetics Tuebingen Variant Classification Criteria Version 2. Collection method: clinical testing. Allele origin: germline. Affected: yes. Observed: 3 variant alleles.
Comment: TWNK: PP1:Strong, PS4, PM2, PP3, PS3:Supporting

Athena Diagnostics
Classification: Pathogenic. Last evaluated: 2023-08-21. Review status: criteria provided, single submitter. Criteria: Athena Diagnostics Criteria. Collection method: clinical testing. Allele origin: unknown.
Comment: The frequency of this variant in the general population is consistent with pathogenicity. This variant has been identified in multiple unrelated individuals with autosomal dominant PEO. This variant associates with disease in multiple families, at least one of which is reported to exhibit reduced penetrance. Computational tools predict that this variant is damaging.

Blueprint Genetics
Classification: Pathogenic for TWNK-related disorders. Last evaluated: 2022-05-23. Review status: criteria provided, single submitter. Criteria: ACMG Guidelines, 2015. Collection method: clinical testing. Allele origin: germline. Affected: yes. Observed: 1 variant allele.

Illumina Laboratory Services, Illumina
Classification: Likely pathogenic for Progressive external ophthalmoplegia with mitochondrial DNA deletions, autosomal dominant 3. Last evaluated: 2017-10-09. Review status: criteria provided, single submitter. Criteria: ICSL Variant Classification Criteria 09 May 2019. Collection method: clinical testing. Allele origin: germline.
Comment: The C10orf2 (TWNK) gene is one of at least 10 genes in which variants are known to cause progressive external ophthalmoplegia (PEO) with mitochondrial DNA deletions. The c.1070G>C (p.Arg357Pro) missense variant has been reported in at least three studies in which it is found in a heterozygous state in 12 individuals from three families with features of PEO (Rivera et al. 2007; Fratter et al. 2010; Paradas et al. 2013). Assessment of mitochondrial DNA deletions was not specified in these individuals, and only one affected individual reported non-ocular myopathy including proximal limb weakness. The p.Arg357Pro variant was absent from 150 controls (Rivera et al. 2007). This variant is reported at a frequency of 0.000115 in the African population of the Genome Aggregation Database but this is based on one allele in a region of good sequence coverage so the variant is presumed to be rare. An in vitro functional study in E. coli demonstrated that the variant retained its helicase function, exhibited high DNA binding affinity, and normal nucleotide hydrolysis and thermal stability (Longley et al. 2010). Based on the evidence, the p.Arg357Pro variant is classified as likely pathogenic for a mild presentation of progressive external ophthalmoplegia with mitochondrial DNA deletions. This variant was observed by ICSL as part of a predisposition screen in an ostensibly healthy population.

Clinical Genetics Service, Universitary Hospital 12 de Octubre
Classification: Pathogenic for Progressive external ophthalmoplegia with mitochondrial DNA deletions, autosomal dominant 3. Review status: criteria provided, single submitter. Criteria: ACMG Guidelines, 2015. Collection method: clinical testing. Allele origin: germline. Affected: yes.

Literature cited by the submitters: PubMed 17614277 (cited by Athena Diagnostics and Illumina Laboratory Services, Illumina); PubMed 20479361 (cited by Athena Diagnostics and Illumina Laboratory Services, Illumina); PubMed 20659899 (cited by Athena Diagnostics and Illumina Laboratory Services, Illumina); PubMed 24018892 (cited by Athena Diagnostics and Illumina Laboratory Services, Illumina); PubMed 35011763 (cited by Athena Diagnostics); PubMed 35286480 (cited by Athena Diagnostics); PubMed 30770810 (cited by Athena Diagnostics).